The following is an entry in ClinVar:

ClinVar aggregate classification (germline): Uncertain significance (1 of 4 stars; one submission).

Conditions:
Familial cancer of breast. Also called: hereditary breast carcinoma; BREAST CANCER, FAMILIAL; Hereditary breast cancer. Identifiers: Orphanet 227535, MedGen C0346153, MONDO:0016419, OMIM 114480. Disease mechanism: loss of function.

Submission:

Labcorp Genetics (formerly Invitae), Labcorp
Classification: Uncertain significance for Familial cancer of breast. Last evaluated: 2024-05-01. Review status: criteria provided, single submitter. Criteria: Invitae Variant Classification Sherloc (09022015). Collection method: clinical testing. Allele origin: germline.
Comment: This sequence change falls in intron 4 of the CHEK2 gene. It does not directly change the encoded amino acid sequence of the CHEK2 protein. This variant is not present in population databases (gnomAD no frequency). This variant has not been reported in the literature in individuals affected with CHEK2-related conditions. Studies have shown this variant is associated with skipping of exon 5, but one or more of the resulting mRNA isoform(s) may be naturally occurring (PMID: 28905878; Invitae). In summary, the available evidence is currently insufficient to determine the role of this variant in disease. Therefore, it has been classified as a Variant of Uncertain Significance.

Literature cited by the submitters: PubMed 28905878.

NM_007194.4(CHEK2):c.593-5C>G

Gene: CHEK2 (checkpoint kinase 2; minus strand). Cytogenetic location: 22q12.1.
Variant type: single nucleotide variant.
Coding change: c.593-5C>G on transcript NM_007194.4 (MANE Select); 5 bases into the intron before coding-DNA position 593, C replaced by G.
Molecular consequence: intron variant.
Genome position (GRCh38, 1-based): chr22:28,719,490, G>C on the plus strand (C>G on the coding strand, the complement: CHEK2 is on the minus strand). VCF-style: chr22-28719490-G-C. GRCh37 (hg19) VCF-style: chr22-29115478-G-C.
Other names: c.-71-5C>G (NM_001437942.1, NM_001257387.3); c.482+5396C>G (NM_001349956.3); c.593-5C>G (NM_145862.3); c.686-5C>G (NM_001438295.1, NM_001438293.1); c.722-5C>G (NM_001438294.1, NM_001005735.3).
Identifiers: ClinVar variation 3651742 (VCV003651742.2).